The following is an entry in ClinVar:

ClinVar aggregate classification (germline): Likely pathogenic (1 of 4 stars; one submission).

Conditions:
Tibial muscular dystrophy (TMD). Also called: Tibial muscular dystrophy, tardive; UDD MYOPATHY; Udd Distal Myopathy – Tibial Muscular Dystrophy. Identifiers: Orphanet 609, MedGen C1838244, MONDO:0010870, OMIM 600334.
Myopathy, myofibrillar, 9, with early respiratory failure (MFM9). Also called: Hereditary myopathy with early respiratory failure; EDSTROM MYOPATHY; MYOPATHY, PROXIMAL, WITH EARLY RESPIRATORY MUSCLE INVOLVEMENT; Myopathy, distal, with early respiratory failure, autosomal dominant. Identifiers: Orphanet 178464, Orphanet 34521, MedGen C1863599, MONDO:0011362, OMIM 603689.

Submission:

Human Genetics Bochum, Ruhr University Bochum
Classification: Likely pathogenic for Myopathy, myofibrillar, 9, with early respiratory failure; Tibial muscular dystrophy. Last evaluated: 2025-09-24. Review status: criteria provided, single submitter. Criteria: ACMG Guidelines, 2015. Collection method: clinical testing. Allele origin: germline. Affected: yes.
Comment: ACMG criteria used to clasify this variant: PVS1, PM2_SUP

NM_001267550.2(TTN):c.83988G>A (p.Trp27996Ter)

Genes: TTN (titin; minus strand), TTN-AS1 (TTN antisense RNA 1; plus strand). Cytogenetic location: 2q31.2.
Variant type: single nucleotide variant.
Coding change: c.83988G>A on transcript NM_001267550.2 (MANE Select); coding-DNA position 83988, G replaced by A.
Protein change: p.Trp27996Ter; replaces tryptophan 27996 with a stop codon.
Molecular consequence: nonsense.
Genome position (GRCh38, 1-based): chr2:178,562,144, C>T on the plus strand (G>A on the coding strand, the complement: TTN is on the minus strand). VCF-style: chr2-178562144-C-T. GRCh37 (hg19) VCF-style: chr2-179426871-C-T.
Other names: c.79065G>A, p.Trp26355Ter (NM_001256850.1); c.56793G>A, p.Trp18931Ter (NM_003319.4); c.76284G>A, p.Trp25428Ter (NM_133378.4); c.57168G>A, p.Trp19056Ter (NM_133432.3); c.57369G>A, p.Trp19123Ter (NM_133437.4); short protein forms W18931*, W19056*, W19123*, W25428*, W26355*, W27996*.
Identifiers: ClinVar variation 4687960 (VCV004687960.1).